The following is an entry in ClinVar:

NM_003611.3(OFD1):c.2596C>T (p.Pro866Ser)

Gene: OFD1 (OFD1 centriole and centriolar satellite protein; plus strand). Cytogenetic location: Xp22.2.
Variant type: single nucleotide variant.
Coding change: c.2596C>T on transcript NM_003611.3 (MANE Select); coding-DNA position 2596, C replaced by T.
Protein change: p.Pro866Ser; replaces proline 866 with serine.
Molecular consequence: missense variant. On other transcripts: intron variant (2).
Genome position (GRCh38, 1-based): chrX:13,763,852, C>T. VCF-style: chrX-13763852-C-T. GRCh37 (hg19) VCF-style: chrX-13781971-C-T.
Other names: c.2476C>T, p.Pro826Ser (NM_001330209.2); c.2176C>T, p.Pro726Ser (NM_001330210.2); c.2488+1408C>T (NM_001440947.1); c.2368+1408C>T (NM_001440948.1); short protein forms P866S, P726S, P826S.
Identifiers: ClinVar variation 4790769 (VCV004790769.1).

ClinVar aggregate classification (germline): Uncertain significance (1 of 4 stars; one submission).

Conditions:
Joubert syndrome. Also called: Familial aplasia of the vermis; JOUBERT-BOLTSHAUSER SYNDROME; CEREBELLOPARENCHYMAL DISORDER IV. Identifiers: Orphanet 475, MedGen C5979921, MONDO:0018772.
Orofaciodigital syndrome I (OFD1). Also called: Papillon-Leage and Psaume Syndrome; OFDS I; Oral-Facial-Digital Syndrome Type I. Identifiers: Orphanet 2750, MedGen C1510460, MONDO:0010702, OMIM 311200.

Submission:

Labcorp Genetics (formerly Invitae), Labcorp
Classification: Uncertain significance for Orofaciodigital syndrome I; Joubert syndrome. Last evaluated: 2025-11-04. Review status: criteria provided, single submitter. Criteria: Invitae Variant Classification Sherloc (09022015). Collection method: clinical testing. Allele origin: germline.
Comment: This sequence change replaces proline, which is neutral and non-polar, with serine, which is neutral and polar, at codon 866 of the OFD1 protein (p.Pro866Ser). This variant is not present in population databases (gnomAD no frequency). This variant has not been reported in the literature in individuals affected with OFD1-related conditions. Invitae Evidence Modeling of protein sequence and biophysical properties (such as structural, functional, and spatial information, amino acid conservation, physicochemical variation, residue mobility, and thermodynamic stability) indicates that this missense variant is not expected to disrupt OFD1 protein function with a negative predictive value of 80%. In summary, the available evidence is currently insufficient to determine the role of this variant in disease. Therefore, it has been classified as a Variant of Uncertain Significance.